The following is an entry in ClinVar:

NM_001371623.1(TCOF1):c.3133dup (p.Glu1045fs)

Gene: TCOF1 (treacle ribosome biogenesis factor 1; plus strand). Cytogenetic location: 5q32.
Variant type: Duplication.
Coding change: c.3133dup on transcript NM_001371623.1 (MANE Select); coding-DNA position 3133, one base duplicated (G; older notation c.3133dupG).
Protein change: p.Glu1045fs; shifts the reading frame from glutamic acid 1045.
Molecular consequence: frameshift variant.
Genome position (GRCh38, 1-based): chr5:150,389,973, G duplicated; the last of 2 consecutive G bases (chr5:150,389,972-150,389,973); duplicating either gives the same sequence. VCF-style (leftmost placement, unchanged base first): chr5-150389971-A-AG. GRCh37 (hg19) VCF-style: chr5-149769534-A-AG.
Other names: c.2902dup, p.Glu968fs (NM_000356.4, NM_001135245.2); c.3133dup, p.Glu1045fs (NM_001135243.2, NM_001135244.2, NM_001195141.2); c.3133dupG (NM_001135243.1); short protein forms E1045fs, E968fs.
Identifiers: ClinVar variation 543941 (VCV000543941.7), dbSNP rs1554078461, ClinGen allele CA658796664.

ClinVar aggregate classification (germline): Pathogenic (1 of 4 stars; one submission).

Conditions:
Treacher Collins syndrome 1 (TCS1). Also called: TCOF1-Related Treacher Collins Syndrome. Identifiers: Orphanet 861, MedGen CN315775, MONDO:0007944, OMIM 154500.

Submission:

Labcorp Genetics (formerly Invitae), Labcorp
Classification: Pathogenic for Treacher Collins syndrome 1. Last evaluated: 2017-09-27. Review status: criteria provided, single submitter. Criteria: Invitae Variant Classification Sherloc (09022015). Collection method: clinical testing. Allele origin: germline.
Comment: For these reasons, this variant has been classified as Pathogenic. This sequence change creates a premature translational stop signal (p.Glu1045Glyfs*42) in the TCOF1 gene. It is expected to result in an absent or disrupted protein product. This variant is not present in population databases (ExAC no frequency). This variant has not been reported in the literature in individuals with TCOF1-related disease. Loss-of-function variants in TCOF1 are known to be pathogenic (PMID: 8894686, 22317976).

Literature cited by the submitters: PubMed 8894686; PubMed 22317976.